The following is an entry in ClinVar:

NM_001903.5(CTNNA1):c.1232G>T (p.Gly411Val)

Gene: CTNNA1 (catenin alpha 1; plus strand). Cytogenetic location: 5q31.2.
Variant type: single nucleotide variant.
Coding change: c.1232G>T on transcript NM_001903.5 (MANE Select); coding-DNA position 1232, G replaced by T.
Protein change: p.Gly411Val; replaces glycine 411 with valine.
Molecular consequence: missense variant. On other transcripts: 5 prime UTR variant (5), intron variant (2).
Genome position (GRCh38, 1-based): chr5:138,887,578, G>T. VCF-style: chr5-138887578-G-T. GRCh37 (hg19) VCF-style: chr5-138223267-G-T.
Other names: c.1232G>T, p.Gly411Val (NM_001290307.3, NM_001323982.2, NM_001323983.1 and 3 more transcripts); c.923G>T, p.Gly308Val (NM_001290309.3); c.863G>T, p.Gly288Val (NM_001290310.3); c.122G>T, p.Gly41Val (NM_001290312.1, NM_001323987.1, NM_001323988.1 and 18 more transcripts); c.-276G>T (NM_001324006.1, NM_001324007.1, NM_001324008.1 and 1 more transcripts); c.-151G>T (NM_001324013.1); c.-58+11981G>T (NM_001324012.1); c.-61+11981G>T (NM_001324010.1); short protein forms G411V, G308V, G41V, G288V.
Identifiers: ClinVar variation 4635625 (VCV004635625.1).
Genomic context (GRCh38, chr5:138,887,578, plus strand): 5'-CAGATTCTTTCCTGGAAACCAATGTTCCACTTTTGGTATTGATTGAAGCTGCAAAGAATG[G>T]AAATGAGAAAGAAGTTAAGGAGTATGCCCAAGTTTTCCGTGAACATGCCAACAAATTGAT-3'
Protein context (NP_001894.2, residues 401-421): LLVLIEAAKN[Gly411Val]NEKEVKEYAQ

ClinVar aggregate classification (germline): Uncertain significance (1 of 4 stars; one submission).

Conditions:
Hereditary cancer-predisposing syndrome. Also called: Neoplastic Syndromes, Hereditary; Tumor predisposition; Hereditary Cancer Syndrome; Hereditary neoplastic syndrome. Identifiers: Orphanet 140162, MedGen C0027672, MeSH D009386, MONDO:0015356.

Submission:

Ambry Genetics
Classification: Uncertain significance for Hereditary cancer-predisposing syndrome. Last evaluated: 2025-12-10. Review status: criteria provided, single submitter. Criteria: Ambry Variant Classification Scheme 2023. Collection method: clinical testing. Allele origin: germline.
Comment: The p.G411V variant (also known as c.1232G>T), located in coding exon 8 of the CTNNA1 gene, results from a G to T substitution at nucleotide position 1232. The glycine at codon 411 is replaced by valine, an amino acid with dissimilar properties. This amino acid position is conserved. In addition, this alteration is predicted to be deleterious by in silico analysis. Based on the available evidence, the clinical significance of this variant remains unclear.